The following is an entry in ClinVar:

NC_000009.11:g.(?_138594085)_(138606586_?)dup

Gene: KCNT1 (potassium sodium-activated channel subfamily T member 1; plus strand). Cytogenetic location: 9q34.3.
Variant type: Duplication.
Identifiers: ClinVar variation 662288 (VCV000662288.2).

ClinVar aggregate classification (germline): Uncertain significance (1 of 4 stars; one submission).

Conditions:
Autosomal dominant nocturnal frontal lobe epilepsy 5. Also called: Epilepsy, nocturnal frontal lobe, 5; KCNT1-Related Epilepsy; CILIARY DYSKINESIA, PRIMARY, 28, WITHOUT SITUS INVERSUS; CILIARY DYSKINESIA, PRIMARY, 28, WITH SITUS INVERSUS. Identifiers: Orphanet 98784, MedGen C3554306, MONDO:0014002, OMIM 615005.
Developmental and epileptic encephalopathy, 14 (DEE14). Also called: Early infantile epileptic encephalopathy 14. Identifiers: Orphanet 293181, MedGen C3554195, MONDO:0013989, OMIM 614959.

Submission:

Labcorp Genetics (formerly Invitae), Labcorp
Classification: Uncertain significance for Epilepsy, nocturnal frontal lobe, 5; Early infantile epileptic encephalopathy 14. Last evaluated: 2019-12-20. Review status: criteria provided, single submitter. Criteria: Invitae Variant Classification Sherloc (09022015). Collection method: clinical testing. Allele origin: germline.
Comment: This variant results in a copy number gain of the genomic region encompassing exons 1-2 of the KCNT1 gene, which includes the initiator codon. The 5' end of this event is unknown as it extends beyond the assayed region for this gene and therefore may encompass additional genes. The 3' boundary is likely confined to intron 2 of the KCNT1 gene. As the precise location of this event is unknown, it may be in tandem or it may be located elsewhere in the genome. This variant has not been reported in the literature in individuals with KCNT1-related conditions. In summary, the available evidence is currently insufficient to determine the role of this variant in disease. Therefore, it has been classified as a Variant of Uncertain Significance.